The following is an entry in ClinVar:

ClinVar aggregate classification (germline): Uncertain significance (1 of 4 stars; one submission).

Allele frequency attached by ClinVar (database versions not stated): gnomAD exomes below 0.00001 and 0.00001.
gnomAD v4.1: 3 of 1,194,854 alleles (0.00025%); highest among the groups gnomAD compares: Non-Finnish European, 0.00023%; no homozygotes.

Submission:

Labcorp Genetics (formerly Invitae), Labcorp
Classification: Uncertain significance. Last evaluated: 2024-10-15. Review status: criteria provided, single submitter. Criteria: Invitae Variant Classification Sherloc (09022015). Collection method: clinical testing. Allele origin: germline.
Comment: This sequence change replaces lysine, which is basic and polar, with glutamine, which is neutral and polar, at codon 247 of the SH3KBP1 protein (p.Lys247Gln). This variant is present in population databases (no rsID available, gnomAD 0.001%). This variant has not been reported in the literature in individuals affected with SH3KBP1-related conditions. ClinVar contains an entry for this variant (Variation ID: 1465569). Invitae Evidence Modeling of protein sequence and biophysical properties (such as structural, functional, and spatial information, amino acid conservation, physicochemical variation, residue mobility, and thermodynamic stability) has been performed for this missense variant. However, the output from this modeling did not meet the statistical confidence thresholds required to predict the impact of this variant on SH3KBP1 protein function. In summary, the available evidence is currently insufficient to determine the role of this variant in disease. Therefore, it has been classified as a Variant of Uncertain Significance.

NM_031892.3(SH3KBP1):c.739A>C (p.Lys247Gln)

Gene: SH3KBP1 (SH3 domain containing kinase binding protein 1; minus strand). Cytogenetic location: Xp22.12.
Variant type: single nucleotide variant.
Coding change: c.739A>C on transcript NM_031892.3 (MANE Select); coding-DNA position 739, A replaced by C.
Protein change: p.Lys247Gln; replaces lysine 247 with glutamine.
Molecular consequence: missense variant.
Genome position (GRCh38, 1-based): chrX:19,645,463, T>G on the plus strand (A>C on the coding strand, the complement: SH3KBP1 is on the minus strand). VCF-style: chrX-19645463-T-G. GRCh37 (hg19) VCF-style: chrX-19663581-T-G.
Other names: c.628A>C, p.Lys210Gln (NM_001024666.3); c.25A>C, p.Lys9Gln (NM_001184960.2, NM_001353897.2); c.739A>C, p.Lys247Gln (NM_001353890.2); c.814A>C, p.Lys272Gln (NM_001353891.2, NM_001353892.2); c.637A>C, p.Lys213Gln (NM_001353893.2, NM_001353894.2); c.694A>C, p.Lys232Gln (NM_001353895.2); short protein forms K210Q, K272Q, K213Q, K9Q, K232Q, K247Q.
Identifiers: ClinVar variation 1465569 (VCV001465569.6), dbSNP rs1233524895, ClinGen allele CA412497458.
Genomic context (GRCh38, chrX:19,645,463, plus strand): 5'-TTGTCCTGCTGTCCATTTCTGTTTTTGATGAGTCTGGAGTTGCTGTAGTTGCAGGTAACT[T>G]CTTCCCAATAGTCTGAGGGGAAAAACAGATGATTTTACTTATCAAGATGATTGTCTCCAT-3'
Protein context (NP_114098.1, residues 237-257): FLPVEKTIGK[Lys247Gln]LPATTATPDS